The following is an entry in ClinVar:

NM_004655.4(AXIN2):c.1609C>T (p.Gln537Ter)

Gene: AXIN2 (axin 2; minus strand). Cytogenetic location: 17q24.1.
Variant type: single nucleotide variant.
Coding change: c.1609C>T on transcript NM_004655.4 (MANE Select); coding-DNA position 1609, C replaced by T.
Protein change: p.Gln537Ter; replaces glutamine 537 with a stop codon.
Molecular consequence: nonsense.
Genome position (GRCh38, 1-based): chr17:65,537,427, G>A on the plus strand (C>T on the coding strand, the complement: AXIN2 is on the minus strand). VCF-style: chr17-65537427-G-A. GRCh37 (hg19) VCF-style: chr17-63533545-G-A.
Other names: c.1609C>T, p.Gln537Ter (NM_001363813.1); short protein forms Q537*.
Identifiers: ClinVar variation 2583440 (VCV002583440.2), dbSNP rs1428503249, ClinGen allele CA400677160.
Genomic context (GRCh38, chr17:65,537,427, plus strand): 5'-TTTTGCATTTCGAGTAGCAGTAATACTCGCTGCCCCCAGGGCAGAAGCAGTGCACCCGCT[G>A]CGTGGCCTCCGCCTCGATCTCCTCCTTGGTCTTGGGGACGGCATGGTGGTGGATGTAGTG-3'

ClinVar aggregate classification (germline): Pathogenic (1 of 4 stars; one submission).

Conditions:
Oligodontia-cancer predisposition syndrome. Also called: TOOTH AGENESIS-COLORECTAL CANCER SYNDROME. Identifiers: Orphanet 300576, MedGen C1837750, MONDO:0012075, OMIM 608615. Disease mechanism: loss of function.

Submission:

Myriad Genetics, Inc.
Classification: Pathogenic for Oligodontia-cancer predisposition syndrome. Last evaluated: 2023-05-17. Review status: criteria provided, single submitter. Criteria: Myriad Autosomal Dominant, Autosomal Recessive and X-Linked Classification Criteria (2023). Collection method: clinical testing. Allele origin: unknown.
Comment: This variant is considered pathogenic. This variant creates a termination codon and is predicted to result in premature protein truncation.